The following is an entry in ClinVar:

NM_001035.3(RYR2):c.13372G>A (p.Gly4458Ser)

Gene: RYR2 (ryanodine receptor 2; plus strand). Cytogenetic location: 1q43.
Variant type: single nucleotide variant.
Coding change: c.13372G>A on transcript NM_001035.3 (MANE Select); coding-DNA position 13372, G replaced by A.
Protein change: p.Gly4458Ser; replaces glycine 4458 with serine.
Molecular consequence: missense variant.
Genome position (GRCh38, 1-based): chr1:237,788,031, G>A. VCF-style: chr1-237788031-G-A. GRCh37 (hg19) VCF-style: chr1-237951331-G-A.
Other names: short protein forms G4458S.
Identifiers: ClinVar variation 2774406 (VCV002774406.2), dbSNP rs2527855327, ClinGen allele CA345416448.
Genomic context (GRCh38, chr1:237,788,031, plus strand): 5'-TTTGTTTGTTTTCATAGGGGAGAAGATGGAGAAAAAGAAGAGAAAGCCAAGGAAGACAAG[G>A]GCAAACAAAAGTTGAGGCAGCTTCACACACACAGATACGGAGAACCAGAAGTGCCAGAGT-3'
Protein context (NP_001026.2, residues 4448-4468): EKEEKAKEDK[Gly4458Ser]KQKLRQLHTH

ClinVar aggregate classification (germline): Uncertain significance (1 of 4 stars; one submission).

Conditions:
Cardiomyopathy (CMYO). Also called: Cardiomyopathies. Identifiers: Orphanet 167848, MedGen C0878544, MONDO:0004994, HP:0001638. Inheritance: Various modes of inheritance.

Submission:

Color Diagnostics, LLC DBA Color Health
Classification: Uncertain significance for Cardiomyopathy. Last evaluated: 2024-03-06. Review status: criteria provided, single submitter. Criteria: ACMG Guidelines, 2015. Collection method: clinical testing. Allele origin: germline.
Comment: This missense variant replaces glycine with serine at codon 4458 of the RYR2 protein. Computational prediction suggests that this variant may not impact protein structure and function (internally defined REVEL score threshold <= 0.5, PMID: 27666373). To our knowledge, functional studies have not been reported for this variant. This variant has not been reported in individuals affected with cardiovascular disorders in the literature. This variant has not been identified in the general population by the Genome Aggregation Database (gnomAD). The available evidence is insufficient to determine the role of this variant in disease conclusively. Therefore, this variant is classified as a Variant of Uncertain Significance.